The following is an entry in ClinVar:

NM_006517.5(SLC16A2):c.1249T>C (p.Cys417Arg)

Gene: SLC16A2 (solute carrier family 16 member 2; plus strand). Cytogenetic location: Xq13.2.
Variant type: single nucleotide variant.
Coding change: c.1249T>C on transcript NM_006517.5 (MANE Select); coding-DNA position 1249, T replaced by C.
Protein change: p.Cys417Arg; replaces cysteine 417 with arginine.
Molecular consequence: missense variant.
Genome position (GRCh38, 1-based): chrX:74,529,291, T>C. VCF-style: chrX-74529291-T-C. GRCh37 (hg19) VCF-style: chrX-73749126-T-C.
Other names: short protein forms C417R.
Identifiers: ClinVar variation 3343962 (VCV003343962.1).

ClinVar aggregate classification (germline): Likely pathogenic (1 of 4 stars; one submission).

Submission:

GeneDx
Classification: Likely pathogenic. Last evaluated: 2024-03-04. Review status: criteria provided, single submitter. Criteria: GeneDx Variant Classification Process June 2021. Collection method: clinical testing. Allele origin: germline. Affected: yes.
Comment: Not observed at significant frequency in large population cohorts (gnomAD); In silico analysis supports that this missense variant has a deleterious effect on protein structure/function; Has not been previously published as pathogenic or benign to our knowledge